The following is an entry in ClinVar:

NM_000264.5(PTCH1):c.2215_2216delinsTT (p.His739Phe)

Genes: PTCH1 (patched 1; minus strand), LOC100507346 (uncharacterized LOC100507346; plus strand). Cytogenetic location: 9q22.32.
Variant type: Indel.
Coding change: c.2215_2216delinsTT on transcript NM_000264.5 (MANE Select); coding-DNA positions 2215 to 2216, CA replaced by TT.
Protein change: p.His739Phe; replaces histidine 739 with phenylalanine.
Molecular consequence: missense variant. On other transcripts: non-coding transcript variant (2).
Genome position (GRCh38, 1-based): chr9:95,468,785-95,468,786, TG replaced by AA on the plus strand (CA replaced by TT on the coding strand, the reverse complement: PTCH1 is on the minus strand). VCF-style: chr9-95468785-TG-AA. GRCh37 (hg19) VCF-style: chr9-98231067-TG-AA.
Other names: c.2017_2018delinsTT, p.His673Phe (NM_001083602.3); c.2212_2213delinsTT, p.His738Phe (NM_001083603.3); c.1762_1763delinsTT, p.His588Phe (NM_001083604.3, NM_001083605.3, NM_001083606.3 and 1 more transcripts); c.2059_2060delinsTT, p.His687Phe (NM_001354918.2); c.2215_2216delinsTT (NM_000264.3, NM_000264.4); short protein forms H673F, H739F, H588F, H738F, H687F.
Identifiers: ClinVar variation 219887 (VCV000219887.19), dbSNP rs864622295, ClinGen allele CA350211.

ClinVar aggregate classification (germline): Conflicting classifications of pathogenicity. Review status: criteria provided, conflicting classifications (1 of 4 stars). 5 submissions from 5 submitters: Uncertain significance (2); Likely benign (3). Last evaluated 2026-02-05.

Conditions:
Hereditary cancer-predisposing syndrome. Also called: Neoplastic Syndromes, Hereditary; Tumor predisposition; Hereditary Cancer Syndrome; Hereditary neoplastic syndrome. Identifiers: Orphanet 140162, MedGen C0027672, MeSH D009386, MONDO:0015356.
Gorlin syndrome. Also called: Nevoid Basal Cell Carcinoma Syndrome; Basal cell nevus syndrome. Identifiers: Orphanet 377, MedGen C0004779, MONDO:0007187.
PTCH1-related disorder. Also called: PTCH1-related disorders; PTCH1-related condition.

Submissions (5):

PreventionGenetics, part of Exact Sciences
Classification: Uncertain significance for PTCH1-related condition. Last evaluated: 2026-02-05. Review status: criteria provided, single submitter. Criteria: ACMG Guidelines, 2015. Collection method: clinical testing. Allele origin: germline.
Comment: The PTCH1 c.2215_2216delinsTT variant is predicted to result in an in-frame deletion and insertion. This variant was reported in a cohort of individuals with advanced cancer; however, the subtype of cancer was not discussed (Mandelker et al. 2017. PubMed ID: 28873162). It has not been reported in a large population database, indicating this variant is rare and is classified as uncertain in ClinVar (Variation ID: 219887). At this time, the clinical significance of this variant is uncertain due to the absence of conclusive functional and genetic evidence.

Labcorp Genetics (formerly Invitae), Labcorp
Classification: Likely benign for Gorlin syndrome. Last evaluated: 2026-01-21. Review status: criteria provided, single submitter. Criteria: Invitae Variant Classification Sherloc (09022015). Collection method: clinical testing. Allele origin: germline.

Quest Diagnostics Nichols Institute San Juan Capistrano
Classification: Likely benign. Last evaluated: 2024-12-04. Review status: criteria provided, single submitter. Criteria: Quest Diagnostics criteria. Collection method: clinical testing. Allele origin: unknown.

Sema4
Classification: Uncertain significance for Hereditary cancer-predisposing syndrome. Last evaluated: 2021-07-05. Review status: criteria provided, single submitter. Criteria: Sema4 Curation Guidelines. Collection method: curation. Allele origin: germline.
Comment: To the best of our knowledge, the PTCH1 c.2215_2216delinsTT (p.H739F) variant has not been reported in individuals with PTCH1-related disease. It was observed in 8/25794 chromosomes in the Finnish subpopulation in the large and broad cohorts of the Genome Aggregation Database (PMID: 219887). The variant has been reported in ClinVar (Variation ID: 810390). In silico tools suggest the impact of the variant on protein function is inconclusive, though these predictions have not been confirmed by functional studies. The evidence is insufficient to meet ACMG/AMP criteria for classifying the variant as benign or pathogenic. Thus, the clinical significance of this variant is currently uncertain.

Ambry Genetics
Classification: Likely benign for Hereditary cancer-predisposing syndrome. Last evaluated: 2021-03-17. Review status: criteria provided, single submitter. Criteria: Ambry Variant Classification Scheme 2023. Collection method: clinical testing. Allele origin: germline.

Literature cited by the submitters: PubMed 28873162 (cited by Quest Diagnostics Nichols Institute San Juan Capistrano and Ambry Genetics); PubMed 32737449 (cited by Quest Diagnostics Nichols Institute San Juan Capistrano); PubMed 36250618 (cited by Quest Diagnostics Nichols Institute San Juan Capistrano); PubMed 33606809 (cited by Quest Diagnostics Nichols Institute San Juan Capistrano); PubMed 219887 (cited by Sema4).